The following is an entry in ClinVar:

NM_153240.5(NPHP3):c.3809T>C (p.Leu1270Pro)

Genes: NPHP3 (nephrocystin 3; minus strand), NPHP3-ACAD11 (NPHP3-ACAD11 readthrough (NMD candidate); minus strand). Cytogenetic location: 3q22.1.
Variant type: single nucleotide variant.
Coding change: c.3809T>C on transcript NM_153240.5 (MANE Select); coding-DNA position 3809, T replaced by C.
Protein change: p.Leu1270Pro; replaces leucine 1270 with proline.
Molecular consequence: missense variant. On other transcripts: non-coding transcript variant (1).
Genome position (GRCh38, 1-based): chr3:132,682,706, A>G on the plus strand (T>C on the coding strand, the complement: NPHP3 is on the minus strand). VCF-style: chr3-132682706-A-G. GRCh37 (hg19) VCF-style: chr3-132401550-A-G.
Other names: short protein forms L1270P.
Identifiers: ClinVar variation 195995 (VCV000195995.11), dbSNP rs794727430, ClinGen allele CA242725.
Genomic context (GRCh38, chr3:132,682,706, plus strand): 5'-AGACAAAGCTACTTCGAATAAAAGAGGCTGTATAAGGAAAGTGAAAAAAATTCTTACCTA[A>G]GCACAGCTAAATTTTTCAGTGTTTCTCCAACTCGAGGATGCATCCGACCCAGGCTATCTT-3'
Protein context (NP_694972.3, residues 1260-1280): VGETLKNLAV[Leu1270Pro]SYEGGDFEKA

ClinVar aggregate classification (germline): Uncertain significance. Review status: criteria provided, multiple submitters, no conflicts (2 of 4 stars). 3 submissions from 3 submitters: Uncertain significance (3). Last evaluated 2022-06-11.

Conditions:
Nephronophthisis. Also called: Juvenile Nephronophthisis. Identifiers: Orphanet 655, MedGen C0687120, MONDO:0019005, HP:0000090.
NPHP3-related Meckel-like syndrome. Also called: Meckel syndrome type 7; GOLDSTON SYNDROME. Identifiers: Orphanet 3032, MedGen C2673885, MONDO:0009966, OMIM 267010.
Nephronophthisis 3 (NPHP3). Also called: Adolescent nephronophthisis. Identifiers: Orphanet 655, MedGen C1858392, MONDO:0011456, OMIM 604387.
Renal-hepatic-pancreatic dysplasia 1 (RHPD1). Identifiers: MedGen C3715199, MONDO:0008833, OMIM 208540.

Allele frequency attached by ClinVar (database versions not stated): TOPMed below 0.00001.

Submissions (3):

Labcorp Genetics (formerly Invitae), Labcorp
Classification: Uncertain significance for Nephronophthisis. Last evaluated: 2022-06-11. Review status: criteria provided, single submitter. Criteria: Invitae Variant Classification Sherloc (09022015). Collection method: clinical testing. Allele origin: germline.
Comment: This missense change has been observed in individual(s) with NPHP3-related conditions (Invitae). In at least one individual the data is consistent with being in trans (on the opposite chromosome) from a pathogenic variant. This variant is not present in population databases (gnomAD no frequency). This sequence change replaces leucine, which is neutral and non-polar, with proline, which is neutral and non-polar, at codon 1270 of the NPHP3 protein (p.Leu1270Pro). ClinVar contains an entry for this variant (Variation ID: 195995). In summary, the available evidence is currently insufficient to determine the role of this variant in disease. Therefore, it has been classified as a Variant of Uncertain Significance. Algorithms developed to predict the effect of missense changes on protein structure and function (SIFT, PolyPhen-2, Align-GVGD) all suggest that this variant is likely to be disruptive.

Fulgent Genetics
Classification: Uncertain significance for Renal-hepatic-pancreatic dysplasia 1; NPHP3-related Meckel-like syndrome; Nephronophthisis 3. Last evaluated: 2021-07-21. Review status: criteria provided, single submitter. Criteria: ACMG Guidelines, 2015. Collection method: clinical testing. Allele origin: unknown.

Eurofins Ntd Llc (ga)
Classification: Uncertain significance. Last evaluated: 2014-11-17. Review status: criteria provided, single submitter. Criteria: EGL Classification Definitions 2015. Collection method: clinical testing. Allele origin: germline. Observed: 1 variant allele, 1 homozygote.